The following is an entry in ClinVar:

ClinVar aggregate classification (germline): Uncertain significance. Review status: criteria provided, multiple submitters, no conflicts (2 of 4 stars). 3 submissions from 3 submitters: Uncertain significance (3). Last evaluated 2026-06-16.

Conditions:
Cardiovascular phenotype. Identifiers: MedGen CN230736.
Hypertrophic cardiomyopathy 14. Identifiers: MedGen C2750467, MONDO:0013197, OMIM 613251.

Allele frequency attached by ClinVar (database versions not stated): gnomAD 0.00001; gnomAD exomes 0.00001 and 0.00002; ExAC 0.00005.
gnomAD v4.1: 14 of 1,588,204 alleles (0.00088%); highest among the groups gnomAD compares: East Asian, 0.0046%; no homozygotes.

Submissions (3):

GeneDx
Classification: Uncertain significance. Last evaluated: 2026-06-16. Review status: criteria provided, single submitter. Criteria: GeneDx Variant Classification Process June 2021. Collection method: clinical testing. Allele origin: germline.
Comment: Not observed at significant frequency in large population cohorts (gnomAD); In silico analysis supports that this missense variant has a deleterious effect on protein structure/function; Has not been previously published as pathogenic or benign to our knowledge

Ambry Genetics
Classification: Uncertain significance for Cardiovascular phenotype. Last evaluated: 2025-11-20. Review status: criteria provided, single submitter. Criteria: Ambry Variant Classification Scheme 2023. Collection method: clinical testing. Allele origin: germline.
Comment: The p.R1177Q variant (also known as c.3530G>A), located in coding exon 24 of the MYH6 gene, results from a G to A substitution at nucleotide position 3530. The arginine at codon 1177 is replaced by glutamine, an amino acid with highly similar properties. This variant was reported in individual(s) with features consistent with congenital heart disease (Li R et al. Clin Genet, 2020 Sep;98:215-230). This amino acid position is highly conserved in available vertebrate species. In addition, the in silico prediction for this alteration is inconclusive. Based on the available evidence, the clinical significance of this variant remains unclear.

Labcorp Genetics (formerly Invitae), Labcorp
Classification: Uncertain significance for Hypertrophic cardiomyopathy 14. Last evaluated: 2022-04-19. Review status: criteria provided, single submitter. Criteria: Invitae Variant Classification Sherloc (09022015). Collection method: clinical testing. Allele origin: germline.
Comment: In summary, the available evidence is currently insufficient to determine the role of this variant in disease. Therefore, it has been classified as a Variant of Uncertain Significance. This variant disrupts the p. Arg1177 amino acid residue in MYH6. Other variant(s) that disrupt this residue have been determined to be pathogenic (PMID: 32410215). This suggests that this residue is clinically significant, and that variants that disrupt this residue are likely to be disease-causing. Algorithms developed to predict the effect of missense changes on protein structure and function are either unavailable or do not agree on the potential impact of this missense change (SIFT: "Deleterious"; PolyPhen-2: "Possibly Damaging"; Align-GVGD: "Class C0"). ClinVar contains an entry for this variant (Variation ID: 643577). This variant has not been reported in the literature in individuals affected with MYH6-related conditions. This variant is present in population databases (rs780211563, gnomAD 0.007%). This sequence change replaces arginine, which is basic and polar, with glutamine, which is neutral and polar, at codon 1177 of the MYH6 protein (p.Arg1177Gln).

Literature cited by the submitters: PubMed 32410215 (cited by Ambry Genetics and Labcorp Genetics (formerly Invitae), Labcorp).

NM_002471.4(MYH6):c.3530G>A (p.Arg1177Gln)

Gene: MYH6 (myosin heavy chain 6; minus strand). Cytogenetic location: 14q11.2.
Variant type: single nucleotide variant.
Coding change: c.3530G>A on transcript NM_002471.4 (MANE Select); coding-DNA position 3530, G replaced by A.
Protein change: p.Arg1177Gln; replaces arginine 1177 with glutamine.
Molecular consequence: missense variant.
Genome position (GRCh38, 1-based): chr14:23,390,259, C>T on the plus strand (G>A on the coding strand, the complement: MYH6 is on the minus strand). VCF-style: chr14-23390259-C-T. GRCh37 (hg19) VCF-style: chr14-23859468-C-T.
Other names: short protein forms R1177Q.
Identifiers: ClinVar variation 643577 (VCV000643577.11), dbSNP rs780211563, ClinGen allele CA7115153.